The following is an entry in ClinVar:

ClinVar aggregate classification (germline): Uncertain significance (1 of 4 stars; one submission).

Conditions:
Cardiovascular phenotype. Identifiers: MedGen CN230736.

Allele frequency attached by ClinVar (database versions not stated): gnomAD exomes below 0.00001; TOPMed below 0.00001.
gnomAD v4.1: 2 of 1,611,980 alleles (0.00012%); highest among the groups gnomAD compares: Non-Finnish European, 0.00017%; no homozygotes.

Submission:

Ambry Genetics
Classification: Uncertain significance for Cardiovascular phenotype. Last evaluated: 2024-01-03. Review status: criteria provided, single submitter. Criteria: Ambry Variant Classification Scheme 2023. Collection method: clinical testing. Allele origin: germline.
Comment: The p.H775D variant (also known as c.2323C>G), located in coding exon 21 of the ANK2 gene, results from a C to G substitution at nucleotide position 2323. The histidine at codon 775 is replaced by aspartic acid, an amino acid with similar properties. This amino acid position is conserved. In addition, this alteration is predicted to be deleterious by in silico analysis. Since supporting evidence is limited at this time, the clinical significance of this alteration remains unclear.

NM_001148.6(ANK2):c.2323C>G (p.His775Asp)

Gene: ANK2 (ankyrin 2; plus strand). Cytogenetic location: 4q26.
Variant type: single nucleotide variant.
Coding change: c.2323C>G on transcript NM_001148.6 (MANE Select); coding-DNA position 2323, C replaced by G.
Protein change: p.His775Asp; replaces histidine 775 with aspartic acid.
Molecular consequence: missense variant.
Genome position (GRCh38, 1-based): chr4:113,292,461, C>G. VCF-style: chr4-113292461-C-G. GRCh37 (hg19) VCF-style: chr4-114213617-C-G.
Other names: c.2260C>G, p.His754Asp (NM_001127493.3, NM_001354239.2, NM_001354243.2 and 10 more transcripts); c.2323C>G, p.His775Asp (NM_001354225.2, NM_001354228.2, NM_001354232.2 and 6 more transcripts); c.2368C>G, p.His790Asp (NM_001354230.2, NM_001354231.2, NM_001354237.2 and 5 more transcripts); c.2224C>G, p.His742Asp (NM_001354245.2, NM_001354268.2); c.2236C>G, p.His746Asp (NM_001354249.2, NM_001354264.2, NM_001354266.2 and 10 more transcripts); c.2161C>G, p.His721Asp (NM_001354253.2, NM_001354257.2, NM_001354270.2 and 1 more transcripts); c.2137C>G, p.His713Asp (NM_001354260.2, NM_001354271.2, NM_001386151.1); c.2281C>G, p.His761Asp (NM_001354261.2, NM_001386147.1, NM_001386160.1); and 8 more; short protein forms H647D, H680D, H705D, H709D, H713D, H721D, H742D, H746D.
Identifiers: ClinVar variation 3220967 (VCV003220967.1), dbSNP rs1363338483, ClinGen allele CA357919303.
Genomic context (GRCh38, chr4:113,292,461, plus strand): 5'-CACTGTCCTCCACAGAACGGCTACACGCCTTTGCACCAGGCCGCTCAGCAGGGTCACACG[C>G]ACATCATCAACGTCCTGCTCCAGCATGGGGCCAAGCCCAACGCCACCACTGCGGTAAGGC-3'
Protein context (NP_001139.3, residues 765-785): LHQAAQQGHT[His775Asp]IINVLLQHGA